The following is an entry in ClinVar:

NM_001711.6(BGN):c.514C>T (p.Arg172Cys)

Gene: BGN (biglycan; plus strand). Cytogenetic location: Xq28.
Variant type: single nucleotide variant.
Coding change: c.514C>T on transcript NM_001711.6 (MANE Select); coding-DNA position 514, C replaced by T.
Protein change: p.Arg172Cys; replaces arginine 172 with cysteine.
Molecular consequence: missense variant.
Genome position (GRCh38, 1-based): chrX:153,506,025, C>T. VCF-style: chrX-153506025-C-T. GRCh37 (hg19) VCF-style: chrX-152771483-C-T.
Other names: short protein forms R172C.
Identifiers: ClinVar variation 1408364 (VCV001408364.9), dbSNP rs370978501, ClinGen allele CA10547255.

ClinVar aggregate classification (germline): Uncertain significance. Review status: criteria provided, multiple submitters, no conflicts (2 of 4 stars). 3 submissions from 3 submitters: Uncertain significance (3). Last evaluated 2025-02-20.

Conditions:
Cardiovascular phenotype. Identifiers: MedGen CN230736.

Allele frequency attached by ClinVar (database versions not stated): ExAC 0.00001; gnomAD exomes 0.00002 and 0.00003; TOPMed 0.00003; gnomAD 0.00005 and 0.00007; ESP Exome Variant Server 0.00009.
gnomAD v4.1: 42 of 1,210,325 alleles (0.0035%); highest among the groups gnomAD compares: Non-Finnish European, 0.0042%; no homozygotes.

Submissions (3):

Labcorp Genetics (formerly Invitae), Labcorp
Classification: Uncertain significance. Last evaluated: 2025-02-20. Review status: criteria provided, single submitter. Criteria: Invitae Variant Classification Sherloc (09022015). Collection method: clinical testing. Allele origin: germline.
Comment: This sequence change replaces arginine, which is basic and polar, with cysteine, which is neutral and slightly polar, at codon 172 of the BGN protein (p.Arg172Cys). This variant is present in population databases (rs370978501, gnomAD 0.007%). This variant has not been reported in the literature in individuals affected with BGN-related conditions. ClinVar contains an entry for this variant (Variation ID: 1408364). Invitae Evidence Modeling of protein sequence and biophysical properties (such as structural, functional, and spatial information, amino acid conservation, physicochemical variation, residue mobility, and thermodynamic stability) indicates that this missense variant is not expected to disrupt BGN protein function with a negative predictive value of 80%. In summary, the available evidence is currently insufficient to determine the role of this variant in disease. Therefore, it has been classified as a Variant of Uncertain Significance.

Women's Health and Genetics/Laboratory Corporation of America, LabCorp
Classification: Uncertain significance. Last evaluated: 2024-04-29. Review status: criteria provided, single submitter. Criteria: LabCorp Variant Classification Summary - May 2015. Collection method: clinical testing. Allele origin: germline.

Ambry Genetics
Classification: Uncertain significance for Cardiovascular phenotype. Last evaluated: 2022-04-25. Review status: criteria provided, single submitter. Criteria: Ambry Variant Classification Scheme 2023. Collection method: clinical testing. Allele origin: germline.
Comment: The p.R172C variant (also known as c.514C>T), located in coding exon 3 of the BGN gene, results from a C to T substitution at nucleotide position 514. The arginine at codon 172 is replaced by cysteine, an amino acid with highly dissimilar properties. This amino acid position is conserved. In addition, this alteration is predicted to be tolerated by in silico analysis. Based on data from gnomAD, the T allele has an overall frequency of 0.002% (5/204980) total alleles studied, with 3 hemizygote(s) observed. The highest observed frequency was 0.007% (1/14849) of East Asian alleles. Based on the available evidence, the clinical significance of this alteration remains unclear.